The following is an entry in ClinVar:

NM_001368397.1(FRMPD4):c.1927C>T (p.Gln643Ter)

Gene: FRMPD4 (FERM and PDZ domain containing 4; plus strand). Cytogenetic location: Xp22.2.
Variant type: single nucleotide variant.
Coding change: c.1927C>T on transcript NM_001368397.1 (MANE Select); coding-DNA position 1927, C replaced by T.
Protein change: p.Gln643Ter; replaces glutamine 643 with a stop codon.
Molecular consequence: nonsense.
Genome position (GRCh38, 1-based): chrX:12,716,386, C>T. VCF-style: chrX-12716386-C-T. GRCh37 (hg19) VCF-style: chrX-12734505-C-T.
Other names: c.2038C>T, p.Gln680Ter (NM_001368395.3, NM_001368398.3); c.1933C>T, p.Gln645Ter (NM_001368396.3); c.1918C>T, p.Gln640Ter (NM_001368399.3); c.1807C>T, p.Gln603Ter (NM_001368400.3); c.1903C>T, p.Gln635Ter (NM_001368401.1, NM_001368402.3); c.1927C>T, p.Gln643Ter (NM_014728.3); short protein forms Q603*, Q635*, Q640*, Q643*, Q645*, Q680*.
Identifiers: ClinVar variation 3338501 (VCV003338501.1).

ClinVar aggregate classification (germline): Likely pathogenic (1 of 4 stars; one submission).

Conditions:
Intellectual developmental disorder, X-linked 104. Also called: Intellectual disability, X-linked 104. Identifiers: MedGen C4310817, MONDO:0010509, OMIM 300983.

Submission:

Greenwood Genetic Center Diagnostic Laboratories, Greenwood Genetic Center
Classification: Likely pathogenic for Intellectual developmental disorder, X-linked 104. Last evaluated: 2024-05-14. Review status: criteria provided, single submitter. Criteria: ACMG Guidelines, 2015. Collection method: clinical testing. Allele origin: germline. Affected: yes.
Comment: PVS1, PM2